The following is an entry in ClinVar:

NM_001852.4(COL9A2):c.1753G>T (p.Val585Leu)

Gene: COL9A2 (collagen type IX alpha 2 chain; minus strand). Cytogenetic location: 1p34.2.
Variant type: single nucleotide variant.
Coding change: c.1753G>T on transcript NM_001852.4 (MANE Select); coding-DNA position 1753, G replaced by T.
Protein change: p.Val585Leu; replaces valine 585 with leucine.
Molecular consequence: missense variant.
Genome position (GRCh38, 1-based): chr1:40,302,660, C>A on the plus strand (G>T on the coding strand, the complement: COL9A2 is on the minus strand). VCF-style: chr1-40302660-C-A. GRCh37 (hg19) VCF-style: chr1-40768332-C-A.
Other names: short protein forms V585L.
Identifiers: ClinVar variation 874336 (VCV000874336.19), dbSNP rs202153520, ClinGen allele CA791346.
Genomic context (GRCh38, chr1:40,302,660, plus strand): 5'-CCACCGCAGAGGAGCACTCACCCTTGGGCCCCGTGTTGCCGATCTGACCCACGGCTCCCA[C>A]GATGCCAGGAACGCCCCGAGGGCCAGGGTGCCCATGGGGGCCCTGCTTGCCTGGGTACCC-3'
Protein context (NP_001843.1, residues 575-595): HPGPRGVPGI[Val585Leu]GAVGQIGNTG

ClinVar aggregate classification (germline): Conflicting classifications of pathogenicity. Review status: criteria provided, conflicting classifications (1 of 4 stars). 7 submissions from 7 submitters: Uncertain significance (2); Benign (1); Likely benign (3). 1 of the submissions does not count toward it. Last evaluated 2026-05-12.

Conditions:
Stickler syndrome. Identifiers: Orphanet 828, MedGen C0265253, MONDO:0019354.
COL9A2-related disorder. Also called: COL9A2-related condition.
Epiphyseal dysplasia, multiple, 2 (EDM2). Also called: COL9A2-Related Multiple Epiphyseal Dysplasia. Identifiers: MedGen C1838429, MONDO:0010844, OMIM 600204.

Allele frequency attached by ClinVar (database versions not stated): ESP Exome Variant Server 0.00008; TOPMed 0.00014.
gnomAD v4.1: 192 of 1,604,042 alleles (0.012%); highest among the groups gnomAD compares: East Asian, 0.018%; no homozygotes.

Submissions (7):

Women's Health and Genetics/Laboratory Corporation of America, LabCorp
Classification: Uncertain significance. Last evaluated: 2026-05-12. Review status: criteria provided, single submitter. Criteria: LabCorp Variant Classification Summary - May 2015. Collection method: clinical testing. Allele origin: germline.

Labcorp Genetics (formerly Invitae), Labcorp
Classification: Likely benign. Last evaluated: 2026-01-07. Review status: criteria provided, single submitter. Criteria: Invitae Variant Classification Sherloc (09022015). Collection method: clinical testing. Allele origin: germline.

Blueprint Genetics
Classification: Benign. Last evaluated: 2023-03-14. Review status: criteria provided, single submitter. Criteria: ACMG Guidelines, 2015. Collection method: clinical testing. Allele origin: germline.

Department of Pathology and Laboratory Medicine, Sinai Health System
Classification: Uncertain significance for Stickler syndrome. Last evaluated: 2021-07-30. Review status: criteria provided, single submitter. Criteria: ACMG Guidelines, 2015. Collection method: research. Allele origin: germline.

GeneDx
Classification: Likely benign. Last evaluated: 2021-03-13. Review status: criteria provided, single submitter. Criteria: GeneDx Variant Classification Process June 2021. Collection method: clinical testing. Allele origin: germline. Affected: yes.
Comment: In silico analysis, which includes protein predictors and evolutionary conservation, supports that this variant does not alter protein structure/function; Has not been previously published as pathogenic or benign to our knowledge

Illumina Laboratory Services, Illumina
Classification: Likely benign for Epiphyseal dysplasia, multiple, 2. Last evaluated: 2018-01-12. Review status: criteria provided, single submitter. Criteria: ICSL Variant Classification Criteria 13 December 2019. Collection method: clinical testing. Allele origin: germline.
Comment: This variant was observed in the ICSL laboratory as part of a predisposition screen in an ostensibly healthy population. It had not been previously curated by ICSL or reported in the Human Gene Mutation Database (HGMD: prior to June 1st, 2018), and was therefore a candidate for classification through an automated scoring system. Utilizing variant allele frequency, disease prevalence and penetrance estimates, and inheritance mode, an automated score was calculated to assess if this variant is too frequent to cause the disease. Based on the score and internal cut-off values, a variant classified as likely benign is not then subjected to further curation. The score for this variant resulted in a classification of likely benign for this disease.

PreventionGenetics, part of Exact Sciences
Classification: Likely benign for COL9A2-related condition. Last evaluated: 2023-01-18. Review status: no assertion criteria provided. Collection method: clinical testing. Allele origin: germline. Not counted in ClinVar's aggregate classification.
Comment: This variant is classified as likely benign based on ACMG/AMP sequence variant interpretation guidelines (Richards et al. 2015 PMID: 25741868, with internal and published modifications).